The following is an entry in ClinVar:

NM_001814.6(CTSC):c.380A>C (p.His127Pro)

Gene: CTSC (cathepsin C; minus strand). Cytogenetic location: 11q14.2.
Variant type: single nucleotide variant.
Coding change: c.380A>C on transcript NM_001814.6 (MANE Select); coding-DNA position 380, A replaced by C.
Protein change: p.His127Pro; replaces histidine 127 with proline.
Molecular consequence: missense variant.
Genome position (GRCh38, 1-based): chr11:88,312,493, T>G on the plus strand (A>C on the coding strand, the complement: CTSC is on the minus strand). VCF-style: chr11-88312493-T-G. GRCh37 (hg19) VCF-style: chr11-88045661-T-G.
Other names: c.380A>C, p.His127Pro (LRG_50t1); short protein forms H127P.
Identifiers: ClinVar variation 7299 (VCV000007299.4), dbSNP rs104894216, ClinGen allele CA118695.

ClinVar aggregate classification (germline): Uncertain significance. Review status: criteria provided, single submitter (1 of 4 stars). 2 submissions from 2 submitters: Uncertain significance (1). 1 of the submissions does not count toward it. Last evaluated 2022-07-27.

Conditions:
Papillon-Lefèvre syndrome (PALS). Also called: KERATOSIS PALMOPLANTARIS WITH PERIODONTOPATHIA; Papillon-Lefevre Disease. Identifiers: Orphanet 678, MedGen C0030360, MONDO:0009490, OMIM 245000.
Haim-Munk syndrome (HMS). Also called: COCHIN JEWISH DISORDER; KERATOSIS PALMOPLANTARIS WITH PERIODONTOPATHIA AND ONYCHOGRYPOSIS. Identifiers: Orphanet 2342, MedGen C1855627, MONDO:0009491, OMIM 245010.
Periodontitis, aggressive. Identifiers: MedGen C0031106, MONDO:0980757.

Submissions (2):

Labcorp Genetics (formerly Invitae), Labcorp
Classification: Uncertain significance for Haim-Munk syndrome; Periodontitis, aggressive; Papillon-Lefèvre syndrome. Last evaluated: 2022-07-27. Review status: criteria provided, single submitter. Criteria: Invitae Variant Classification Sherloc (09022015). Collection method: clinical testing. Allele origin: germline.
Comment: This sequence change replaces histidine, which is basic and polar, with proline, which is neutral and non-polar, at codon 127 of the CTSC protein (p.His127Pro). This variant is not present in population databases (gnomAD no frequency). This missense change has been observed in individual(s) with Papillon-Lefevre syndrome (PMID: 11886537). In at least one individual the data is consistent with being in trans (on the opposite chromosome) from a pathogenic variant. ClinVar contains an entry for this variant (Variation ID: 7299). Algorithms developed to predict the effect of missense changes on protein structure and function are either unavailable or do not agree on the potential impact of this missense change (SIFT: "Not Available"; PolyPhen-2: "Probably Damaging"; Align-GVGD: "Not Available"). In summary, the available evidence is currently insufficient to determine the role of this variant in disease. Therefore, it has been classified as a Variant of Uncertain Significance.

OMIM
Classification: Pathogenic for PAPILLON-LEFEVRE SYNDROME. Last evaluated: 2001-12-01. Review status: no assertion criteria provided. Collection method: literature only. Allele origin: germline. Not counted in ClinVar's aggregate classification.

Literature cited by the submitters: PubMed 11886537 (cited by Labcorp Genetics (formerly Invitae), Labcorp and OMIM).